The following is an entry in ClinVar:

ClinVar aggregate classification (germline): Likely benign. Review status: criteria provided, multiple submitters, no conflicts (2 of 4 stars). 2 submissions from 2 submitters: Likely benign (2). Last evaluated 2026-07-01.

gnomAD v4.1: 3 of 1,043,942 alleles (0.00029%); highest among the groups gnomAD compares: Non-Finnish European, 0.00039%; no homozygotes.

Submissions (2):

CeGaT Center for Human Genetics Tuebingen
Classification: Likely benign. Last evaluated: 2026-07-01. Review status: criteria provided, single submitter. Criteria: CeGaT Center For Human Genetics Tuebingen Variant Classification Criteria Version 2. Collection method: clinical testing. Allele origin: germline. Affected: yes. Observed: 1 variant allele.
Comment: USH2A: BP4

Labcorp Genetics (formerly Invitae), Labcorp
Classification: Likely benign. Last evaluated: 2025-10-07. Review status: criteria provided, single submitter. Criteria: Invitae Variant Classification Sherloc (09022015). Collection method: clinical testing. Allele origin: germline.

NM_206933.4(USH2A):c.11390-8C>T

Gene: USH2A (usherin; minus strand). Cytogenetic location: 1q41.
Variant type: single nucleotide variant.
Coding change: c.11390-8C>T on transcript NM_206933.4 (MANE Select); 8 bases into the intron before coding-DNA position 11390, C replaced by T.
Molecular consequence: intron variant.
Genome position (GRCh38, 1-based): chr1:215,743,343, G>A on the plus strand (C>T on the coding strand, the complement: USH2A is on the minus strand). VCF-style: chr1-215743343-G-A. GRCh37 (hg19) VCF-style: chr1-215916685-G-A.
Identifiers: ClinVar variation 1613669 (VCV001613669.9), dbSNP rs1312489837, ClinGen allele CA529002167.
Genomic context (GRCh38, chr1:215,743,343, plus strand): 5'-TCCATCATTGAGTAAGACATTGTACTCCACAGGAATTTCGGGGATGAGGATCCCTTTAAA[G>A]AGAGAGAGAGAGAGAGAACATTAAAAACATATATATATATATATGTGTGTGTGTGTGTGT-3'